The following is an entry in ClinVar:

NM_006361.6(HOXB13):c.288G>A (p.Ser96=)

Gene: HOXB13 (homeobox B13; minus strand). Cytogenetic location: 17q21.32.
Variant type: single nucleotide variant.
Coding change: c.288G>A on transcript NM_006361.6 (MANE Select); coding-DNA position 288, G replaced by A.
Protein change: p.Ser96=; no amino-acid change (serine 96 retained).
Molecular consequence: synonymous variant.
Genome position (GRCh38, 1-based): chr17:48,728,306, C>T on the plus strand (G>A on the coding strand, the complement: HOXB13 is on the minus strand). VCF-style: chr17-48728306-C-T. GRCh37 (hg19) VCF-style: chr17-46805668-C-T.
Identifiers: ClinVar variation 1692917 (VCV001692917.6), dbSNP rs767708021, ClinGen allele CA500661957.

ClinVar aggregate classification (germline): Benign/Likely benign. Review status: criteria provided, multiple submitters, no conflicts (2 of 4 stars). 4 submissions from 4 submitters: Benign (1); Likely benign (3). Last evaluated 2025-10-14.

Conditions:
Hereditary cancer-predisposing syndrome. Also called: Hereditary neoplastic syndrome; Tumor predisposition; Neoplastic Syndromes, Hereditary; Hereditary Cancer Syndrome. Identifiers: Orphanet 140162, MedGen C0027672, MeSH D009386, MONDO:0015356.
Prostate cancer, hereditary, 9 (HPC9). Identifiers: Orphanet 1331, MedGen C1970250, MONDO:0012597, OMIM 610997.

gnomAD v4.1: 1 of 1,614,120 alleles (0.000062%); no homozygotes.

Submissions (4):

Ambry Genetics
Classification: Likely benign for Hereditary cancer-predisposing syndrome. Last evaluated: 2025-10-14. Review status: criteria provided, single submitter. Criteria: Ambry Variant Classification Scheme 2023. Collection method: clinical testing. Allele origin: germline.

Myriad Genetics, Inc.
Classification: Benign for Prostate cancer, hereditary, 9. Last evaluated: 2024-10-29. Review status: criteria provided, single submitter. Criteria: Myriad Autosomal Dominant, Autosomal Recessive and X-Linked Classification Criteria (2023). Collection method: clinical testing. Allele origin: unknown.
Comment: This variant is considered benign. This variant is a silent/synonymous amino acid change and it is not expected to impact splicing.

Labcorp Genetics (formerly Invitae), Labcorp
Classification: Likely benign. Last evaluated: 2023-12-19. Review status: criteria provided, single submitter. Criteria: Invitae Variant Classification Sherloc (09022015). Collection method: clinical testing. Allele origin: germline.

Sema4
Classification: Likely benign for Hereditary cancer-predisposing syndrome. Last evaluated: 2021-02-18. Review status: criteria provided, single submitter. Criteria: Sema4 Curation Guidelines. Collection method: curation. Allele origin: germline.